The following is an entry in ClinVar:

ClinVar aggregate classification (germline): Likely benign (0 of 4 stars; one submission).

Conditions:
SRCAP-related disorder. Also called: SRCAP-related condition.

Allele frequency attached by ClinVar (database versions not stated): ExAC 0.00001; gnomAD 0.00001; 1000 Genomes Project 0.00020; 1000 Genomes Project 30x 0.00031.
gnomAD v4.1: 1 of 1,613,632 alleles (0.000062%); highest among the groups gnomAD compares: Admixed American, 0.0017%; no homozygotes.

Submission:

PreventionGenetics, part of Exact Sciences
Classification: Likely benign for SRCAP-related condition. Last evaluated: 2019-07-25. Review status: no assertion criteria provided. Collection method: clinical testing. Allele origin: germline.
Comment: This variant is classified as likely benign based on ACMG/AMP sequence variant interpretation guidelines (Richards et al. 2015 PMID: 25741868, with internal and published modifications).

NM_006662.3(SRCAP):c.6888C>T (p.Ser2296=)

Gene: SRCAP (Snf2 related CREBBP activator protein; plus strand). Cytogenetic location: 16p11.2.
Variant type: single nucleotide variant.
Coding change: c.6888C>T on transcript NM_006662.3 (MANE Select); coding-DNA position 6888, C replaced by T.
Protein change: p.Ser2296=; no amino-acid change (serine 2296 retained).
Molecular consequence: synonymous variant.
Genome position (GRCh38, 1-based): chr16:30,736,358, C>T. VCF-style: chr16-30736358-C-T. GRCh37 (hg19) VCF-style: chr16-30747679-C-T.
Identifiers: ClinVar variation 3035725 (VCV003035725.2), dbSNP rs550188188, ClinGen allele CA8012352.